The following is an entry in ClinVar:

NM_007294.3(BRCA1):c.-2293C>G

Genes: BRCA1 (BRCA1 DNA repair associated; minus strand), NBR2 (neighbor of BRCA1 lncRNA 2; plus strand), LOC111589215 (BRCA1 promoter region; plus strand). Cytogenetic location: 17q21.31.
Variant type: single nucleotide variant.
Coding change: c.-2293C>G on transcript NM_007294.3; 2293 bases upstream of the start codon, C replaced by G.
Molecular consequence: intron variant (on NM_001408458.1).
Genome position (GRCh38, 1-based): chr17:43,127,544, G>C on the plus strand (C>G on the coding strand, the complement: BRCA1 is on the minus strand). VCF-style: chr17-43127544-G-C. GRCh37 (hg19) VCF-style: chr17-41279561-G-C.
Other names: -2174 C>G; c.-61-11765C>G (NM_001408458.1).
Identifiers: ClinVar variation 209592 (VCV000209592.3), dbSNP rs799910, ClinGen allele CA276561.

ClinVar aggregate classification (germline): Benign (3 of 4 stars; one submission).

Conditions:
Breast-ovarian cancer, familial, susceptibility to, 1 (BROVCA1). Also called: OVARIAN CANCER, SUSCEPTIBILITY TO; BRCA1 Hereditary Breast and Ovarian Cancer. Identifiers: Orphanet 145, MedGen C2676676, MONDO:0011450, OMIM 604370. Disease mechanism: loss of function.

Allele frequency attached by ClinVar (database versions not stated): TOPMed 0.50298; 1000 Genomes Project 0.54932; 1000 Genomes Project 30x 0.55497.
gnomAD v4.1: 74,878 of 151,924 alleles (49%); highest among the groups gnomAD compares: African/African-American, 83%; 21,851 homozygotes.

Submission:

Evidence-based Network for the Interpretation of Germline Mutant Alleles (ENIGMA)
Classification: Benign for Breast-ovarian cancer, familial 1. Last evaluated: 2015-01-12. Review status: reviewed by expert panel. Criteria: ENIGMA BRCA1/2 Classification Criteria (2015). Collection method: curation. Allele origin: germline.
Comment: Class 1 not pathogenic based on frequency >1% in an outbred sampleset. Frequency 0.33 (Asian), 0.87 (African), 0.37 (European), derived from 1000 genomes (2012-04-30).